The following is an entry in ClinVar:

ClinVar aggregate classification (germline): Conflicting classifications of pathogenicity. Review status: criteria provided, conflicting classifications (1 of 4 stars). 3 submissions from 3 submitters: Uncertain significance (1); Likely benign (2). Last evaluated 2026-01-24.

Conditions:
KCNJ1-related disorder. Also called: KCNJ1-related condition.
Bartter disease type 2. Also called: HYPOKALEMIC ALKALOSIS WITH HYPERCALCIURIA 2, ANTENATAL; HYPERPROSTAGLANDIN E SYNDROME 2; Bartter syndrome, type 2, antenatal. Identifiers: Orphanet 112, Orphanet 620220, MedGen C1855849, MONDO:0009424, OMIM 241200.

Allele frequency attached by ClinVar (database versions not stated): gnomAD exomes 0.00035; ExAC 0.00040; ESP Exome Variant Server 0.00077; gnomAD 0.00083 and 0.00087; TOPMed 0.00093; 1000 Genomes Project 0.00140; 1000 Genomes Project 30x 0.00156.
gnomAD v4.1: 301 of 1,614,098 alleles (0.019%); highest among the groups gnomAD compares: African/African-American, 0.25%; no homozygotes.

Submissions (3):

Labcorp Genetics (formerly Invitae), Labcorp
Classification: Likely benign. Last evaluated: 2026-01-24. Review status: criteria provided, single submitter. Criteria: Invitae Variant Classification Sherloc (09022015). Collection method: clinical testing. Allele origin: germline.

PreventionGenetics, part of Exact Sciences
Classification: Likely benign for KCNJ1-related condition. Last evaluated: 2025-03-14. Review status: criteria provided, single submitter. Criteria: ACMG Guidelines, 2015. Collection method: clinical testing. Allele origin: germline.
Comment: This variant is classified as likely benign based on ACMG/AMP sequence variant interpretation guidelines (Richards et al. 2015 PMID: 25741868, with internal and published modifications).

Illumina Laboratory Services, Illumina
Classification: Uncertain significance for Bartter disease type 2. Last evaluated: 2018-01-12. Review status: criteria provided, single submitter. Criteria: ICSL Variant Classification Criteria 13 December 2019. Collection method: clinical testing. Allele origin: germline.

NM_153766.3(KCNJ1):c.17G>A (p.Arg6Gln)

Gene: KCNJ1 (potassium inwardly rectifying channel subfamily J member 1; minus strand). Cytogenetic location: 11q24.3.
Variant type: single nucleotide variant.
Coding change: c.17G>A on transcript NM_153766.3 (MANE Select); coding-DNA position 17, G replaced by A.
Protein change: p.Arg6Gln; replaces arginine 6 with glutamine.
Molecular consequence: missense variant.
Genome position (GRCh38, 1-based): chr11:128,840,227, C>T on the plus strand (G>A on the coding strand, the complement: KCNJ1 is on the minus strand). VCF-style: chr11-128840227-C-T. GRCh37 (hg19) VCF-style: chr11-128710122-C-T.
Other names: c.74G>A, p.Arg25Gln (NM_000220.6); c.17G>A, p.Arg6Gln (NM_153764.3, NM_153767.4); c.68G>A, p.Arg23Gln (NM_153765.3); short protein forms R25Q, R6Q, R23Q.
Identifiers: ClinVar variation 303577 (VCV000303577.15), dbSNP rs139185738, ClinGen allele CA6357590.